The following is an entry in ClinVar:

NM_001276270.2(MBD4):c.554A>G (p.Lys185Arg)

Gene: MBD4 (methyl-CpG binding domain 4, DNA glycosylase; minus strand). Cytogenetic location: 3q21.3.
Variant type: single nucleotide variant.
Coding change: c.554A>G on transcript NM_001276270.2 (MANE Select); coding-DNA position 554, A replaced by G.
Protein change: p.Lys185Arg; replaces lysine 185 with arginine.
Molecular consequence: missense variant. On other transcripts: intron variant (1).
Genome position (GRCh38, 1-based): chr3:129,437,090, T>C on the plus strand (A>G on the coding strand, the complement: MBD4 is on the minus strand). VCF-style: chr3-129437090-T-C. GRCh37 (hg19) VCF-style: chr3-129155933-T-C.
Other names: c.554A>G, p.Lys185Arg (NM_001276271.2, NM_001276272.2, NM_003925.3); c.247+718A>G (NM_001276273.2); short protein forms K185R.
Identifiers: ClinVar variation 4052244 (VCV004052244.1).

ClinVar aggregate classification (germline): Uncertain significance (1 of 4 stars; one submission).

Conditions:
Inborn genetic diseases. Identifiers: MedGen C0950123, MeSH D030342.

Submission:

Ambry Genetics
Classification: Uncertain significance for Inborn genetic diseases. Last evaluated: 2025-05-31. Review status: criteria provided, single submitter. Criteria: Ambry Variant Classification Scheme 2023. Collection method: clinical testing. Allele origin: germline.
Comment: The p.K185R variant (also known as c.554A>G), located in coding exon 3 of the MBD4 gene, results from an A to G substitution at nucleotide position 554. The lysine at codon 185 is replaced by arginine, an amino acid with highly similar properties. This amino acid position is conserved. In addition, this alteration is predicted to be tolerated by in silico analysis. Based on the available evidence, the clinical significance of this variant remains unclear.